The following is an entry in ClinVar:

NM_000492.4(CFTR):c.1680-893T>C

Gene: CFTR (CF transmembrane conductance regulator; plus strand). Cytogenetic location: 7q31.2.
Variant type: single nucleotide variant.
Coding change: c.1680-893T>C on transcript NM_000492.4 (MANE Select); 893 bases into the intron before coding-DNA position 1680, T replaced by C.
Molecular consequence: intron variant.
Genome position (GRCh38, 1-based): chr7:117,589,460, T>C. VCF-style: chr7-117589460-T-C. GRCh37 (hg19) VCF-style: chr7-117229514-T-C.
Identifiers: ClinVar variation 1027591 (VCV001027591.1), dbSNP rs1223503684, ClinGen allele CA832103177.
Genomic context (GRCh38, chr7:117,589,460, plus strand): 5'-CAATTTTCTTTATTACAGAAGTACCAACAATTACATGTATAAACAGAGAATCCTATGTAC[T>C]TGAGATATAAGTAAGGTTACTATCAATCACACCTGAAAAATTTAAATGTTATGAAGAAAT-3'

ClinVar aggregate classification (germline): Uncertain significance (1 of 4 stars; one submission).

Allele frequency attached by ClinVar (database versions not stated): TOPMed 0.00001.

Submission:

Women's Health and Genetics/Laboratory Corporation of America, LabCorp
Classification: Uncertain significance. Last evaluated: 2021-03-12. Review status: criteria provided, single submitter. Criteria: LabCorp Variant Classification Summary - May 2015. Collection method: clinical testing. Allele origin: germline.
Comment: Variant summary: CFTR c.1680-893T>C is located at a position not widely known to affect splicing. 4/4 computational tools predict no significant impact on normal splicing. However, these predictions have yet to be confirmed by functional studies. The variant was absent in 150794 control chromosomes (gnomAD v3.1, genomes dataset). The available data on variant occurrences in the general population are insufficient to allow any conclusion about variant significance. To our knowledge, no occurrence of c.1680-893T>C in individuals affected with Chronic Pancreatitis Risk and no experimental evidence demonstrating its impact on protein function have been reported. No clinical diagnostic laboratories have submitted clinical-significance assessments for this variant to ClinVar after 2014. Based on the evidence outlined above, the variant was classified as VUS-possibly benign.